The following is an entry in ClinVar:

NM_005732.4(RAD50):c.1916A>T (p.Glu639Val)

Gene: RAD50 (RAD50 double strand break repair protein; plus strand). Cytogenetic location: 5q31.1.
Variant type: single nucleotide variant.
Coding change: c.1916A>T on transcript NM_005732.4 (MANE Select); coding-DNA position 1916, A replaced by T.
Protein change: p.Glu639Val; replaces glutamic acid 639 with valine.
Molecular consequence: missense variant.
Genome position (GRCh38, 1-based): chr5:132,594,991, A>T. VCF-style: chr5-132594991-A-T. GRCh37 (hg19) VCF-style: chr5-131930683-A-T.
Other names: short protein forms E639V.
Identifiers: ClinVar variation 4862856 (VCV004862856.1).

ClinVar aggregate classification (germline): Uncertain significance (1 of 4 stars; one submission).

Conditions:
Hereditary cancer-predisposing syndrome. Also called: Neoplastic Syndromes, Hereditary; Tumor predisposition; Hereditary Cancer Syndrome; Hereditary neoplastic syndrome. Identifiers: Orphanet 140162, MedGen C0027672, MeSH D009386, MONDO:0015356.

Submission:

Ambry Genetics
Classification: Uncertain significance for Hereditary cancer-predisposing syndrome. Last evaluated: 2026-06-03. Review status: criteria provided, single submitter. Criteria: Ambry Variant Classification Scheme 2023. Collection method: clinical testing. Allele origin: germline.
Comment: The p.E639V variant (also known as c.1916A>T), located in coding exon 12 of the RAD50 gene, results from an A to T substitution at nucleotide position 1916. The glutamic acid at codon 639 is replaced by valine, an amino acid with dissimilar properties. This amino acid position is conserved. In addition, the in silico prediction for this alteration is inconclusive. Based on the available evidence, the clinical significance of this variant remains unclear.